The following is an entry in ClinVar:

NM_014363.6(SACS):c.1079G>A (p.Cys360Tyr)

Gene: SACS (sacsin molecular chaperone; minus strand). Cytogenetic location: 13q12.12.
Variant type: single nucleotide variant.
Coding change: c.1079G>A on transcript NM_014363.6 (MANE Select); coding-DNA position 1079, G replaced by A.
Protein change: p.Cys360Tyr; replaces cysteine 360 with tyrosine.
Molecular consequence: missense variant.
Genome position (GRCh38, 1-based): chr13:23,355,533, C>T on the plus strand (G>A on the coding strand, the complement: SACS is on the minus strand). VCF-style: chr13-23355533-C-T. GRCh37 (hg19) VCF-style: chr13-23929672-C-T.
Other names: p.Cys360Tyr; c.638G>A, p.Cys213Tyr (NM_001278055.2); short protein forms C213Y, C360Y.
Identifiers: ClinVar variation 2166025 (VCV002166025.5), dbSNP rs983169408, ClinGen allele CA246678126.

ClinVar aggregate classification (germline): Conflicting classifications of pathogenicity. Review status: criteria provided, conflicting classifications (1 of 4 stars). 2 submissions from 2 submitters: Uncertain significance (1); Benign (1). Last evaluated 2025-11-05.

Conditions:
Spastic paraplegia. Identifiers: MedGen C0037772, HP:0001258.

Allele frequency attached by ClinVar (database versions not stated): gnomAD exomes below 0.00001; gnomAD 0.00003; TOPMed 0.00004.
gnomAD v4.1: 7 of 1,613,948 alleles (0.00043%); highest among the groups gnomAD compares: African/African-American, 0.0093%; no homozygotes.

Submissions (2):

Labcorp Genetics (formerly Invitae), Labcorp
Classification: Benign for Spastic paraplegia. Last evaluated: 2025-11-05. Review status: criteria provided, single submitter. Criteria: Invitae Variant Classification Sherloc (09022015). Collection method: clinical testing. Allele origin: germline.

Mayo Clinic Laboratories, Mayo Clinic
Classification: Uncertain significance. Last evaluated: 2024-10-22. Review status: criteria provided, single submitter. Criteria: ACMG Guidelines, 2015. Collection method: clinical testing. Allele origin: germline. Observed: 1 variant allele.
Comment: PM2_supporting